The following is an entry in ClinVar:

NM_000256.3(MYBPC3):c.1036C>T (p.Arg346Cys)

Gene: MYBPC3 (myosin binding protein C3; minus strand). Cytogenetic location: 11p11.2.
Variant type: single nucleotide variant.
Coding change: c.1036C>T on transcript NM_000256.3 (MANE Select); coding-DNA position 1036, C replaced by T.
Protein change: p.Arg346Cys; replaces arginine 346 with cysteine.
Molecular consequence: missense variant.
Genome position (GRCh38, 1-based): chr11:47,346,261, G>A on the plus strand (C>T on the coding strand, the complement: MYBPC3 is on the minus strand). VCF-style: chr11-47346261-G-A. GRCh37 (hg19) VCF-style: chr11-47367812-G-A.
Other names: c.1036C>T, p.Arg346Cys (LRG_386t1); short protein forms R346C.
Identifiers: ClinVar variation 568477 (VCV000568477.16), dbSNP rs1236178301, ClinGen allele CA380331260.
Genomic context (GRCh38, chr11:47,346,261, plus strand): 5'-GCTAACCTGTGCTCTTCTTCTCATCGCGCCTCATGCCCTTGAGCCTCTTTAGCATGCCGC[G>A]CAGGTCAGTGACGCCGTACTGGAAGGCGATGCGCTCGTACTCAGATGGGGGTGCCTGCCG-3'
Protein context (NP_000247.2, residues 336-356): IAFQYGVTDL[Arg346Cys]GMLKRLKGMR

ClinVar aggregate classification (germline): Uncertain significance. Review status: criteria provided, multiple submitters, no conflicts (2 of 4 stars). 6 submissions from 6 submitters: Uncertain significance (6). Last evaluated 2026-03-06.

Conditions:
MYBPC3-related disorder. Also called: MYBPC3-related disorders; MYBPC3-related condition; MYBPC3-related disease.
Cardiovascular phenotype. Identifiers: MedGen CN230736.
Cardiomyopathy (CMYO). Also called: Cardiomyopathies. Identifiers: Orphanet 167848, MedGen C0878544, MONDO:0004994, HP:0001638. Inheritance: Various modes of inheritance.
Hypertrophic cardiomyopathy. Also called: HYPERTROPHIC MYOCARDIOPATHY. Identifiers: Orphanet 217569, MedGen C0007194, MeSH D002312, MONDO:0005045, HP:0001639.

Allele frequency attached by ClinVar (database versions not stated): gnomAD exomes below 0.00001; TOPMed 0.00001.
gnomAD v4.1: 2 of 1,613,876 alleles (0.00012%); highest among the groups gnomAD compares: Non-Finnish European, 0.000085%; no homozygotes.

Submissions (6):

PreventionGenetics, part of Exact Sciences
Classification: Uncertain significance for MYBPC3-related condition. Last evaluated: 2026-03-06. Review status: criteria provided, single submitter. Criteria: ACMG Guidelines, 2015. Collection method: clinical testing. Allele origin: germline.
Comment: The MYBPC3 c.1036C>T variant is predicted to result in the amino acid substitution p.Arg346Cys. This variant was reported in at least two individuals from hypertrophic cardiomyopathy cohorts (Supplementary Table 1 in Wang et al. 2014. PubMed ID: 25132132; Supplementary Table 21 in Harper et al. 2021. PubMed ID: 33495597). This variant has not been reported in a large population database (gnomAD), indicating this variant is rare. Of note, other variants impacting the same amino acid (p.Arg346His and Arg346Pro) have also been documented in individuals with hypertrophic cardiomyopathy (Table S1 in Walsh et al. 2017. PubMed ID: 27532257; Zigova et al. 2018. PubMed ID: 28815794). At this time, the clinical significance of the c.1036C>T (p.Arg346Cys) variant is uncertain due to the absence of conclusive functional and genetic evidence.

Labcorp Genetics (formerly Invitae), Labcorp
Classification: Uncertain significance for Hypertrophic cardiomyopathy. Last evaluated: 2025-12-14. Review status: criteria provided, single submitter. Criteria: Invitae Variant Classification Sherloc (09022015). Collection method: clinical testing. Allele origin: germline.
Comment: This sequence change replaces arginine, which is basic and polar, with cysteine, which is neutral and slightly polar, at codon 346 of the MYBPC3 protein (p.Arg346Cys). This variant is not present in population databases (gnomAD no frequency). This missense change has been observed in individuals with hypertrophic cardiomyopathy (PMID: 25132132; internal data). ClinVar contains an entry for this variant (Variation ID: 568477). An algorithm developed to predict the effect of missense changes on protein structure and function (PolyPhen-2) suggests that this variant is likely to be disruptive. In summary, the available evidence is currently insufficient to determine the role of this variant in disease. Therefore, it has been classified as a Variant of Uncertain Significance.

Color Diagnostics, LLC DBA Color Health
Classification: Uncertain significance for Cardiomyopathy. Last evaluated: 2025-08-04. Review status: criteria provided, single submitter. Criteria: ACMG Guidelines, 2015. Collection method: clinical testing. Allele origin: germline.
Comment: This missense variant replaces arginine with cysteine at codon 346 of the MYBPC3 protein. Computational prediction suggests that this variant may have deleterious impact on protein structure and function. To our knowledge, functional studies have not been reported for this variant. This variant has not been reported in individuals affected with MYBPC3-related disorders in the literature. This variant has not been identified in the general population by the Genome Aggregation Database (gnomAD). The available evidence is insufficient to determine the role of this variant in disease conclusively. Therefore, this variant is classified as a Variant of Uncertain Significance.

Ambry Genetics
Classification: Uncertain significance for Cardiovascular phenotype. Last evaluated: 2024-01-22. Review status: criteria provided, single submitter. Criteria: Ambry Variant Classification Scheme 2023. Collection method: clinical testing. Allele origin: germline.
Comment: The p.R346C variant (also known as c.1036C>T), located in coding exon 12 of the MYBPC3 gene, results from a C to T substitution at nucleotide position 1036. The arginine at codon 346 is replaced by cysteine, an amino acid with highly dissimilar properties. This alteration has been detected in hypertrophic cardiomyopathy cohorts; however, clinical information was limited (Wang J et al. Eur. J. Heart Fail., 2014 Sep;16:950-7; Harper AR et al. Nat Genet. 2021 Feb;53(2):135-142). This amino acid position is highly conserved in available vertebrate species. In addition, this alteration is predicted to be deleterious by in silico analysis. Based on the available evidence, the clinical significance of this alteration remains unclear.

Women's Health and Genetics/Laboratory Corporation of America, LabCorp
Classification: Uncertain significance. Last evaluated: 2023-12-18. Review status: criteria provided, single submitter. Criteria: LabCorp Variant Classification Summary - May 2015. Collection method: clinical testing. Allele origin: germline.
Comment: Variant summary: MYBPC3 c.1036C>T (p.Arg346Cys) results in a non-conservative amino acid change in the encoded protein sequence. Five of five in-silico tools predict a damaging effect of the variant on protein function. The variant was absent in 248888 control chromosomes (gnomAD). The available data on variant occurrences in the general population are insufficient to allow any conclusion about variant significance. c.1036C>T has been reported in the literature in an individual affected with hypertrophic cardiomyopathy without strong evidence of causality (Wang_2014). This report does not provide unequivocal conclusions about association of the variant with Cardiomyopathy. To our knowledge, no experimental evidence demonstrating an impact on protein function has been reported. The following publication has been ascertained in the context of this evaluation (PMID: 25132132). Four submitters have cited clinical-significance assessments for this variant to ClinVar after 2014. All submitters classified the variant as uncertain significance. Based on the evidence outlined above, the variant was classified as uncertain significance.

CHEO Genetics Diagnostic Laboratory, Children's Hospital of Eastern Ontario
Classification: Uncertain significance for Cardiomyopathy. Last evaluated: 2018-03-28. Review status: criteria provided, single submitter. Criteria: ACMG Guidelines, 2015. Collection method: clinical testing. Allele origin: germline.

Literature cited by the submitters: PubMed 25132132 (cited by 3 submitters); PubMed 33495597 (cited by Ambry Genetics).